The following is an entry in ClinVar:

ClinVar aggregate classification (germline): Likely pathogenic (1 of 4 stars; one submission).

Conditions:
Marfan syndrome (MFS). Also called: FBN1-Related Marfan Syndrome; MARFAN SYNDROME, TYPE I; Marfan syndrome type 1; Marfan's syndrome; Marfan syndrome, classic. Identifiers: Orphanet 284963, Orphanet 558, MedGen C0024796, MONDO:0007947, OMIM 154700.
Familial thoracic aortic aneurysm and aortic dissection (TAAD). Also called: Thoracic aortic aneurysms and dissections. Identifiers: Orphanet 91387, MedGen C4707243, MONDO:0019625.

Submission:

Labcorp Genetics (formerly Invitae), Labcorp
Classification: Likely pathogenic for Marfan syndrome; Familial thoracic aortic aneurysm and aortic dissection. Last evaluated: 2020-02-19. Review status: criteria provided, single submitter. Criteria: Invitae Variant Classification Sherloc (09022015). Collection method: clinical testing. Allele origin: germline.
Comment: Algorithms developed to predict the effect of sequence changes on RNA splicing suggest that this variant may create or strengthen a splice site, but this prediction has not been confirmed by published transcriptional studies. This variant has been observed in individual(s) with clinical features of Marfan syndrome (Invitae). This variant is not present in population databases (ExAC no frequency). This variant, c.4857_4865del, results in the deletion of 3 amino acid(s) of the FBN1 protein (p.Gly1620_Cys1622del), but otherwise preserves the integrity of the reading frame. In summary, the currently available evidence indicates that the variant is pathogenic, but additional data are needed to prove that conclusively. Therefore, this variant has been classified as Likely Pathogenic. This variant affects a cysteine residue in the EGF-like, TGFBP or hybrid motif domains of FBN1. Cysteine residues are believed to be involved in intramolecular disulfide bridges and have been shown to be important for FBN1 protein structure (PMID: 16905551, 19349279). In addition, missense substitutions affecting cysteine residues within these domains are significantly overrepresented among patients with Marfan syndrome (PMID: 16571647, 17701892).

Literature cited by the submitters: PubMed 16905551; PubMed 19349279; PubMed 16571647; PubMed 17701892.

NM_000138.5(FBN1):c.4857_4865del (p.Gly1620_Cys1622del)

Gene: FBN1 (fibrillin 1; minus strand). Cytogenetic location: 15q21.1.
Variant type: Deletion.
Coding change: c.4857_4865del on transcript NM_000138.5 (MANE Select); coding-DNA positions 4857 to 4865, 9 bases deleted (AGGAAAATG; older notation c.4857_4865delAGGAAAATG).
Protein change: p.Gly1620_Cys1622del.
Molecular consequence: inframe deletion.
Genome position (GRCh38, 1-based): chr15:48,465,645-48,465,653, CATTTTCCT deleted on the plus strand (AGGAAAATG on the coding strand, the reverse complement: FBN1 is on the minus strand); deleting any 9 consecutive bases within chr15:48,465,645-48,465,654 gives the same sequence; the c. name uses the placement nearest the transcript's 3' end. VCF-style (leftmost placement, unchanged base first): chr15-48465644-ACATTTTCCT-A. GRCh37 (hg19) VCF-style: chr15-48757841-ACATTTTCCT-A.
Identifiers: ClinVar variation 1067468 (VCV001067468.9), dbSNP rs2141269721, ClinGen allele CA2499222986.